The following is an entry in ClinVar:

ClinVar aggregate classification (germline): Pathogenic. Review status: criteria provided, multiple submitters, no conflicts (2 of 4 stars). 5 submissions from 5 submitters: Pathogenic (5). Last evaluated 2024-06-01.

Conditions:
Asphyxiating thoracic dystrophy 3. Also called: SHORT-RIB THORACIC DYSPLASIA 3 WITH OR WITHOUT POLYDACTYLY; POLYDACTYLY WITH NEONATAL CHONDRODYSTROPHY, TYPE I; SHORT-RIB THORACIC DYSPLASIA 3/6 WITH POLYDACTYLY, DIGENIC; Short rib polydactyly syndrome 2B; Saldino-Noonan Syndrome. Identifiers: Orphanet 474, Orphanet 93269, Orphanet 93270, Orphanet 93271, MedGen C0036069, MONDO:0013127, OMIM 613091.
Jeune thoracic dystrophy. Also called: Short-rib thoracic dysplasia; Jeune syndrome; Infantile thoracic dystrophy; Thoracic pelvic phalangeal dystrophy; Jeune's syndrome; Chondroectodermal dysplasia-like syndrome. Identifiers: Orphanet 474, MedGen C0265275, MONDO:0018770.

Allele frequency attached by ClinVar (database versions not stated): TOPMed 0.00002.
gnomAD v4.1: 14 of 1,584,086 alleles (0.00088%); highest among the groups gnomAD compares: Middle Eastern, 0.023%; no homozygotes.

Submissions (5):

Fulgent Genetics
Classification: Pathogenic for Asphyxiating thoracic dystrophy 3. Last evaluated: 2024-06-01. Review status: criteria provided, single submitter. Criteria: ACMG Guidelines, 2015. Collection method: clinical testing. Allele origin: germline.

Myriad Genetics, Inc.
Classification: Pathogenic for Asphyxiating thoracic dystrophy 3. Last evaluated: 2024-04-24. Review status: criteria provided, single submitter. Criteria: Myriad Autosomal Dominant, Autosomal Recessive and X-Linked Classification Criteria (2023). Collection method: clinical testing. Allele origin: unknown.
Comment: NM_001377.2(DYNC2H1):c.7858C>T(R2620*) is expected to be pathogenic in the context of DYNC2H1-related disorders. This variant is predicted to lead to an abnormal or absent protein product due to the creation of a premature termination codon in DYNC2H1, a gene where loss-of-function variants are known to be pathogenic. Please note: this variant was assessed in the context of healthy population screening.

Labcorp Genetics (formerly Invitae), Labcorp
Classification: Pathogenic for Jeune thoracic dystrophy. Last evaluated: 2023-05-19. Review status: criteria provided, single submitter. Criteria: Invitae Variant Classification Sherloc (09022015). Collection method: clinical testing. Allele origin: germline.
Comment: The frequency data for this variant in the population databases is considered unreliable, as metrics indicate poor data quality at this position in the gnomAD database. For these reasons, this variant has been classified as Pathogenic. Algorithms developed to predict the effect of sequence changes on RNA splicing suggest that this variant may disrupt the consensus splice site. ClinVar contains an entry for this variant (Variation ID: 1722990). This premature translational stop signal has been observed in individual(s) with clinical features of short-rib thoracic dysplasia (PMID: 34675960). This sequence change creates a premature translational stop signal (p.Arg2620*) in the DYNC2H1 gene. It is expected to result in an absent or disrupted protein product. Loss-of-function variants in DYNC2H1 are known to be pathogenic (PMID: 23339108, 32753734).

GeneDx
Classification: Pathogenic. Last evaluated: 2022-04-05. Review status: criteria provided, single submitter. Criteria: GeneDx Variant Classification Process June 2021. Collection method: clinical testing. Allele origin: germline. Affected: yes.
Comment: Nonsense variant predicted to result in protein truncation or nonsense mediated decay in a gene for which loss of function is a known mechanism of disease; Not observed at significant frequency in large population cohorts (gnomAD); This variant is associated with the following publications: (PMID: 34675960)

Juno Genomics, Hangzhou Juno Genomics, Inc
Classification: Pathogenic for Asphyxiating thoracic dystrophy 3. Review status: criteria provided, single submitter. Criteria: ACMG Guidelines, 2015. Collection method: clinical testing. Allele origin: germline.
Comment: Absent from controls (or at extremely low frequency if recessive) in Genome Aggregation Database.;Null variant in a gene where loss of function (LOF) is a known mechanism of disease.;For recessive disorders, detected in trans with a pathogenic variant.;Patient's phenotype or family history is highly specific for a disease with a single genetic etiology.

Literature cited by the submitters: PubMed 34675960 (cited by Labcorp Genetics (formerly Invitae), Labcorp); PubMed 23339108 (cited by Labcorp Genetics (formerly Invitae), Labcorp); PubMed 32753734 (cited by Labcorp Genetics (formerly Invitae), Labcorp).

NM_001377.3(DYNC2H1):c.7858C>T (p.Arg2620Ter)

Gene: DYNC2H1 (dynein cytoplasmic 2 heavy chain 1; plus strand). Cytogenetic location: 11q22.3.
Variant type: single nucleotide variant.
Coding change: c.7858C>T on transcript NM_001377.3 (MANE Select); coding-DNA position 7858, C replaced by T.
Protein change: p.Arg2620Ter; replaces arginine 2620 with a stop codon.
Molecular consequence: nonsense.
Genome position (GRCh38, 1-based): chr11:103,199,246, C>T. VCF-style: chr11-103199246-C-T. GRCh37 (hg19) VCF-style: chr11-103069975-C-T.
Other names: c.7858C>T, p.Arg2620Ter (NM_001080463.2); short protein forms R2620*.
Identifiers: ClinVar variation 1722990 (VCV001722990.11), dbSNP rs1322141600, ClinGen allele CA382256016.
Genomic context (GRCh38, chr11:103,199,246, plus strand): 5'-AGGGCTTATATTAATTATAAAATATTCTGATTTTTTTAAAAGGGTCTTATTCATTATGGA[C>T]GAGATAACCAGAATTTAGACATTTTACTTTTCCACGAAGTCTTGGAGTATATGTCTAGGA-3'